The following is an entry in ClinVar:

NM_175875.5(SIX5):c.1075C>G (p.Leu359Val)

Genes: SIX5 (SIX homeobox 5; minus strand), LOC107075317 (origin of replication in DMPK trinucleotide repeat region; plus strand). Cytogenetic location: 19q13.32.
Variant type: single nucleotide variant.
Coding change: c.1075C>G on transcript NM_175875.5 (MANE Select); coding-DNA position 1075, C replaced by G.
Protein change: p.Leu359Val; replaces leucine 359 with valine.
Molecular consequence: missense variant.
Genome position (GRCh38, 1-based): chr19:45,766,884, G>C on the plus strand (C>G on the coding strand, the complement: SIX5 is on the minus strand). VCF-style: chr19-45766884-G-C. GRCh37 (hg19) VCF-style: chr19-46270142-G-C.
Other names: c.1075C>G (NM_175875.4); short protein forms L359V.
Identifiers: ClinVar variation 2793816 (VCV002793816.4), dbSNP rs753341384, ClinGen allele CA406419631.

ClinVar aggregate classification (germline): Uncertain significance. Review status: criteria provided, multiple submitters, no conflicts (2 of 4 stars). 2 submissions from 2 submitters: Uncertain significance (2). Last evaluated 2023-12-26.

Submissions (2):

Ambry Genetics
Classification: Uncertain significance. Last evaluated: 2023-12-26. Review status: criteria provided, single submitter. Criteria: Ambry Variant Classification Scheme 2023. Collection method: clinical testing. Allele origin: germline.

Labcorp Genetics (formerly Invitae), Labcorp
Classification: Uncertain significance. Last evaluated: 2023-04-15. Review status: criteria provided, single submitter. Criteria: Invitae Variant Classification Sherloc (09022015). Collection method: clinical testing. Allele origin: germline.
Comment: Advanced modeling of protein sequence and biophysical properties (such as structural, functional, and spatial information, amino acid conservation, physicochemical variation, residue mobility, and thermodynamic stability) performed at Invitae indicates that this missense variant is not expected to disrupt SIX5 protein function. This variant has not been reported in the literature in individuals affected with SIX5-related conditions. This variant is present in population databases (no rsID available, gnomAD 0.007%). This sequence change replaces leucine, which is neutral and non-polar, with valine, which is neutral and non-polar, at codon 359 of the SIX5 protein (p.Leu359Val). In summary, the available evidence is currently insufficient to determine the role of this variant in disease. Therefore, it has been classified as a Variant of Uncertain Significance.